The following is an entry in ClinVar:

NM_014915.3(ANKRD26):c.788A>G (p.Asp263Gly)

Gene: ANKRD26 (ankyrin repeat domain 26; minus strand). Cytogenetic location: 10p12.1.
Variant type: single nucleotide variant.
Coding change: c.788A>G on transcript NM_014915.3 (MANE Select); coding-DNA position 788, A replaced by G.
Protein change: p.Asp263Gly; replaces aspartic acid 263 with glycine.
Molecular consequence: missense variant.
Genome position (GRCh38, 1-based): chr10:27,079,114, T>C on the plus strand (A>G on the coding strand, the complement: ANKRD26 is on the minus strand). VCF-style: chr10-27079114-T-C. GRCh37 (hg19) VCF-style: chr10-27368043-T-C.
Other names: c.788A>G, p.Asp263Gly (NM_001256053.2); short protein forms D263G.
Identifiers: ClinVar variation 4720171 (VCV004720171.1).
Genomic context (GRCh38, chr10:27,079,114, plus strand): 5'-AGTAAGAAAATTAAGTTCATGAGAGAGCACTTTACCTTAGTATCAAAATTGAGGTCTTCG[T>C]CATCTGAGGTAGGCCATGAATCATCAACACCCGGTTTGCCAGAAAGCCTTTAGAACAAAA-3'
Protein context (NP_055730.2, residues 253-273): GVDDSWPTSD[Asp263Gly]EDLNFDTKNV

ClinVar aggregate classification (germline): Uncertain significance (1 of 4 stars; one submission).

Submission:

Labcorp Genetics (formerly Invitae), Labcorp
Classification: Uncertain significance. Last evaluated: 2025-05-25. Review status: criteria provided, single submitter. Criteria: Invitae Variant Classification Sherloc (09022015). Collection method: clinical testing. Allele origin: germline.
Comment: This sequence change replaces aspartic acid, which is acidic and polar, with glycine, which is neutral and non-polar, at codon 263 of the ANKRD26 protein (p.Asp263Gly). This variant is not present in population databases (gnomAD no frequency). This variant has not been reported in the literature in individuals affected with ANKRD26-related conditions. An algorithm developed to predict the effect of missense changes on protein structure and function (PolyPhen-2) suggests that this variant is likely to be tolerated. In summary, the available evidence is currently insufficient to determine the role of this variant in disease. Therefore, it has been classified as a Variant of Uncertain Significance.